The following is an entry in ClinVar:

NM_001267550.2(TTN):c.79788C>T (p.Ser26596=)

Genes: TTN (titin; minus strand), TTN-AS1 (TTN antisense RNA 1; plus strand). Cytogenetic location: 2q31.2.
Variant type: single nucleotide variant.
Coding change: c.79788C>T on transcript NM_001267550.2 (MANE Select); coding-DNA position 79788, C replaced by T.
Protein change: p.Ser26596=; no amino-acid change (serine 26596 retained).
Molecular consequence: synonymous variant.
Genome position (GRCh38, 1-based): chr2:178,566,344, G>A on the plus strand (C>T on the coding strand, the complement: TTN is on the minus strand). VCF-style: chr2-178566344-G-A. GRCh37 (hg19) VCF-style: chr2-179431071-G-A.
Other names: c.74865C>T, p.Ser24955= (NM_001256850.1); c.52593C>T, p.Ser17531= (NM_003319.4); c.72084C>T, p.Ser24028= (NM_133378.4); c.52968C>T, p.Ser17656= (NM_133432.3); c.53169C>T, p.Ser17723= (NM_133437.4).
Identifiers: ClinVar variation 517683 (VCV000517683.50), dbSNP rs777989882, ClinGen allele CA1989435.

ClinVar aggregate classification (germline): Likely benign. Review status: criteria provided, multiple submitters, no conflicts (2 of 4 stars). 6 submissions from 6 submitters: Likely benign (5). 1 of the submissions does not count toward it. Last evaluated 2026-01-15.

Conditions:
Cardiovascular phenotype. Identifiers: MedGen CN230736.
Dilated cardiomyopathy 1G (CMD1G). Identifiers: Orphanet 154, MedGen C1858763, MONDO:0011400, OMIM 604145.
Autosomal recessive limb-girdle muscular dystrophy type 2J (LGMDR10). Also called: MUSCULAR DYSTROPHY, LIMB-GIRDLE, AUTOSOMAL RECESSIVE 10; Limb-girdle muscular dystrophy, type 2J. Identifiers: Orphanet 140922, MedGen C1837342, MONDO:0012127, OMIM 608807.
TTN-related disorder. Also called: TTN-related condition; TTN-related disease; TTN-related disorders.

Allele frequency attached by ClinVar (database versions not stated): TOPMed 0.00001; gnomAD 0.00002; gnomAD exomes 0.00002 and 0.00004; ExAC 0.00003.
gnomAD v4.1: 57 of 1,613,282 alleles (0.0035%); highest among the groups gnomAD compares: East Asian, 0.011%; no homozygotes.

Submissions (6):

Labcorp Genetics (formerly Invitae), Labcorp
Classification: Likely benign for Dilated cardiomyopathy 1G; Autosomal recessive limb-girdle muscular dystrophy type 2J. Last evaluated: 2026-01-15. Review status: criteria provided, single submitter. Criteria: Invitae Variant Classification Sherloc (09022015). Collection method: clinical testing. Allele origin: germline.

Blueprint Genetics
Classification: Likely benign. Last evaluated: 2024-11-22. Review status: criteria provided, single submitter. Criteria: ACMG Guidelines, 2015. Collection method: clinical testing. Allele origin: germline.

CeGaT Center for Human Genetics Tuebingen
Classification: Likely benign. Last evaluated: 2024-01-01. Review status: criteria provided, single submitter. Criteria: CeGaT Center For Human Genetics Tuebingen Variant Classification Criteria Version 2. Collection method: clinical testing. Allele origin: germline. Affected: yes. Observed: 1 variant allele.
Comment: TTN: BP4, BP7

Ambry Genetics
Classification: Likely benign for Cardiovascular phenotype. Last evaluated: 2019-12-30. Review status: criteria provided, single submitter. Criteria: Ambry Variant Classification Scheme 2023. Collection method: clinical testing. Allele origin: germline.

GeneDx
Classification: Likely benign. Last evaluated: 2018-10-12. Review status: criteria provided, single submitter. Criteria: GeneDx Variant Classification Process June 2021. Collection method: clinical testing. Allele origin: germline. Affected: yes.

PreventionGenetics, part of Exact Sciences
Classification: Likely benign for TTN-related condition. Last evaluated: 2023-09-13. Review status: no assertion criteria provided. Collection method: clinical testing. Allele origin: germline. Not counted in ClinVar's aggregate classification.
Comment: This variant is classified as likely benign based on ACMG/AMP sequence variant interpretation guidelines (Richards et al. 2015 PMID: 25741868, with internal and published modifications).